The following is an entry in ClinVar:

ClinVar aggregate classification (germline): Uncertain significance (1 of 4 stars; one submission).

Conditions:
Neurodevelopmental disorder with or without seizures and gait abnormalities. Identifiers: MedGen C4693391, MONDO:0060641, OMIM 617864.

Submission:

Neuberg Centre For Genomic Medicine, NCGM
Classification: Uncertain significance for Neurodevelopmental disorder with or without seizures and gait abnormalities. Last evaluated: 2023-06-22. Review status: criteria provided, single submitter. Criteria: ACMG Guidelines, 2015. Collection method: clinical testing. Allele origin: germline. Inheritance: Autosomal dominant inheritance. Affected: yes.
Comment: The missense c.1970G>A(p.Ser657Asn) variant in GRIA4 gene has not been reported previously as a pathogenic variant nor as a benign variant, to our knowledge. The p.Ser657Asn variant is absent in gnomAD Exomes. This variant has not been submitted to the ClinVar database. Multiple lines of computational evidence (Polyphen - Possibly Damaging, SIFT - Damaging and MutationTaster - Disease causing) predict damaging effect on protein structure and function for this variant. The reference amino acid at this position in GRIA4 is predicted as conserved by GERP++ and PhyloP across 100 vertebrates. The amino acid Ser at position 657 is changed to a Asn changing protein sequence and it might alter its composition and physico-chemical properties. For these reasons, this variant has been classified as Variant of Uncertain Significance (VUS).

NM_000829.4(GRIA4):c.1970G>A (p.Ser657Asn)

Gene: GRIA4 (glutamate ionotropic receptor AMPA type subunit 4; plus strand). Cytogenetic location: 11q22.3.
Variant type: single nucleotide variant.
Coding change: c.1970G>A on transcript NM_000829.4 (MANE Select); coding-DNA position 1970, G replaced by A.
Protein change: p.Ser657Asn; replaces serine 657 with asparagine.
Molecular consequence: missense variant. On other transcripts: non-coding transcript variant (1).
Genome position (GRCh38, 1-based): chr11:105,926,863, G>A. VCF-style: chr11-105926863-G-A. GRCh37 (hg19) VCF-style: chr11-105797589-G-A.
Other names: c.1970G>A, p.Ser657Asn (NM_001077243.3); short protein forms S657N.
Identifiers: ClinVar variation 3731395 (VCV003731395.1).